The following is an entry in ClinVar:

NM_182476.3(COQ6):c.524C>T (p.Thr175Ile)

Genes: COQ6 (coenzyme Q6, monooxygenase; plus strand), ENTPD5 (ectonucleoside triphosphate diphosphohydrolase 5; minus strand). Cytogenetic location: 14q24.3.
Variant type: single nucleotide variant.
Coding change: c.524C>T on transcript NM_182476.3 (MANE Select); coding-DNA position 524, C replaced by T.
Protein change: p.Thr175Ile; replaces threonine 175 with isoleucine.
Molecular consequence: missense variant. On other transcripts: 3 prime UTR variant (3), intron variant (5).
Genome position (GRCh38, 1-based): chr14:73,958,189, C>T. VCF-style: chr14-73958189-C-T. GRCh37 (hg19) VCF-style: chr14-74424892-C-T.
Other names: c.524C>T, p.Thr175Ile (NM_001425255.1, NM_001425256.1); c.359C>T, p.Thr120Ile (NM_001425257.1); c.449C>T, p.Thr150Ile (NM_001425258.1, NM_182480.3); c.299C>T, p.Thr100Ile (NM_001425259.1, NM_001425260.1, NM_001425261.1); c.197C>T, p.Thr66Ile (NM_001425263.1); c.*1341G>A (NM_001330189.2, NM_001382259.1, NM_001382260.1); c.73-782C>T (NM_001425265.1, NM_001425264.1); c.358-782C>T (NM_001425262.1); and 2 more; short protein forms T150I, T175I.
Identifiers: ClinVar variation 1940436 (VCV001940436.5), dbSNP rs776767051, ClinGen allele CA7264232.

ClinVar aggregate classification (germline): Uncertain significance. Review status: criteria provided, multiple submitters, no conflicts (2 of 4 stars). 2 submissions from 2 submitters: Uncertain significance (2). Last evaluated 2022-06-14.

Conditions:
Inborn genetic diseases. Identifiers: MedGen C0950123, MeSH D030342.

Allele frequency attached by ClinVar (database versions not stated): ExAC 0.00001; TOPMed 0.00001; gnomAD exomes 0.00002; gnomAD 0.00001.
gnomAD v4.1: 25 of 1,614,014 alleles (0.0015%); highest among the groups gnomAD compares: Non-Finnish European, 0.0019%; no homozygotes.

Submissions (2):

Labcorp Genetics (formerly Invitae), Labcorp
Classification: Uncertain significance. Last evaluated: 2022-06-14. Review status: criteria provided, single submitter. Criteria: Invitae Variant Classification Sherloc (09022015). Collection method: clinical testing. Allele origin: germline.
Comment: In summary, the available evidence is currently insufficient to determine the role of this variant in disease. Therefore, it has been classified as a Variant of Uncertain Significance. Algorithms developed to predict the effect of missense changes on protein structure and function (SIFT, PolyPhen-2, Align-GVGD) all suggest that this variant is likely to be tolerated. This variant has not been reported in the literature in individuals affected with COQ6-related conditions. This variant is present in population databases (rs776767051, gnomAD 0.003%). This sequence change replaces threonine, which is neutral and polar, with isoleucine, which is neutral and non-polar, at codon 175 of the COQ6 protein (p.Thr175Ile).

Ambry Genetics
Classification: Uncertain significance for Inborn genetic diseases. Last evaluated: 2021-04-30. Review status: criteria provided, single submitter. Criteria: Ambry Variant Classification Scheme 2023. Collection method: clinical testing. Allele origin: germline.